The following is an entry in ClinVar:

NM_001263.4(CDS1):c.1303C>G (p.Pro435Ala)

Gene: CDS1 (CDP-diacylglycerol synthase 1; plus strand). Cytogenetic location: 4q21.23.
Variant type: single nucleotide variant.
Coding change: c.1303C>G on transcript NM_001263.4 (MANE Select); coding-DNA position 1303, C replaced by G.
Protein change: p.Pro435Ala; replaces proline 435 with alanine.
Molecular consequence: missense variant.
Genome position (GRCh38, 1-based): chr4:84,648,603, C>G. VCF-style: chr4-84648603-C-G. GRCh37 (hg19) VCF-style: chr4-85569756-C-G.
Other names: short protein forms P435A.
Identifiers: ClinVar variation 3057394 (VCV003057394.3), dbSNP rs34695122, ClinGen allele CA2991868.

ClinVar aggregate classification (germline): Uncertain significance. Review status: criteria provided, single submitter (1 of 4 stars). 2 submissions from 2 submitters: Uncertain significance (1). 1 of the submissions does not count toward it. Last evaluated 2025-08-26.

Conditions:
CDS1-related disorder. Also called: CDS1-related condition.

Allele frequency attached by ClinVar (database versions not stated): ExAC 0.00045; gnomAD 0.00134; ESP Exome Variant Server 0.00138; TOPMed 0.00161; 1000 Genomes Project 30x 0.00265; 1000 Genomes Project 0.00300.
gnomAD v4.1: 445 of 1,613,848 alleles (0.028%); highest among the groups gnomAD compares: African/African-American, 0.49%; no homozygotes.

Submissions (2):

Ambry Genetics
Classification: Uncertain significance. Last evaluated: 2025-08-26. Review status: criteria provided, single submitter. Criteria: Ambry Variant Classification Scheme 2023. Collection method: clinical testing. Allele origin: germline.

PreventionGenetics, part of Exact Sciences
Classification: Likely benign for CDS1-related condition. Last evaluated: 2020-09-16. Review status: no assertion criteria provided. Collection method: clinical testing. Allele origin: germline. Not counted in ClinVar's aggregate classification.
Comment: This variant is classified as likely benign based on ACMG/AMP sequence variant interpretation guidelines (Richards et al. 2015 PMID: 25741868, with internal and published modifications).